The following is an entry in ClinVar:

NM_000138.5(FBN1):c.7978A>C (p.Ser2660Arg)

Gene: FBN1 (fibrillin 1; minus strand). Cytogenetic location: 15q21.1.
Variant type: single nucleotide variant.
Coding change: c.7978A>C on transcript NM_000138.5 (MANE Select); coding-DNA position 7978, A replaced by C.
Protein change: p.Ser2660Arg; replaces serine 2660 with arginine.
Molecular consequence: missense variant.
Genome position (GRCh38, 1-based): chr15:48,415,609, T>G on the plus strand (A>C on the coding strand, the complement: FBN1 is on the minus strand). VCF-style: chr15-48415609-T-G. GRCh37 (hg19) VCF-style: chr15-48707806-T-G.
Other names: c.7978A>C, p.Ser2660Arg (NM_001406716.1); short protein forms S2660R.
Identifiers: ClinVar variation 4883107 (VCV004883107.2).

ClinVar aggregate classification (germline): Uncertain significance (1 of 4 stars; one submission).

Submission:

Dasa
Classification: Uncertain significance. Last evaluated: 2025-10-27. Review status: criteria provided, single submitter. Criteria: DASA Assertion Criteria. Collection method: clinical testing. Allele origin: germline.
Comment: NM_000138.5(FBN1):c.7978A>C (p.Ser2660Arg) is a missense variant that results in the substitution of serine with arginine. This variant is absent from population databases. The currently available literature and clinical evidence are not sufficient to establish a definitive association between this variant and the reported condition. Therefore, this variant is classified as a variant of uncertain significance.